The following is an entry in ClinVar:

NM_000142.5(FGFR3):c.2274C>T (p.Asp758=)

Gene: FGFR3 (fibroblast growth factor receptor 3; plus strand). Cytogenetic location: 4p16.3.
Variant type: single nucleotide variant.
Coding change: c.2274C>T on transcript NM_000142.5 (MANE Select); coding-DNA position 2274, C replaced by T.
Protein change: p.Asp758=; no amino-acid change (aspartic acid 758 retained).
Molecular consequence: synonymous variant. On other transcripts: nonsense (1), non-coding transcript variant (1).
Genome position (GRCh38, 1-based): chr4:1,806,934, C>T. VCF-style: chr4-1806934-C-T. GRCh37 (hg19) VCF-style: chr4-1808661-C-T.
Other names: c.2280C>T, p.Asp760= (NM_001163213.2); c.2277C>T, p.Asp759= (NM_001354809.2); c.2206C>T, p.Arg736Ter (NM_001354810.2); c.1938C>T, p.Asp646= (NM_022965.4); short protein forms R736*.
Identifiers: ClinVar variation 3356780 (VCV003356780.3).

ClinVar aggregate classification (germline): Uncertain significance. Review status: criteria provided, single submitter (1 of 4 stars). 2 submissions from 2 submitters: Uncertain significance (1). 1 of the submissions does not count toward it. Last evaluated 2024-05-23.

Conditions:
FGFR3-related disorder. Also called: FGFR3-related disorders.

Submissions (2):

Labcorp Genetics (formerly Invitae), Labcorp
Classification: Uncertain significance. Last evaluated: 2024-05-23. Review status: criteria provided, single submitter. Criteria: Invitae Variant Classification Sherloc (09022015). Collection method: clinical testing. Allele origin: germline.
Comment: This sequence change affects codon 758 of the FGFR3 mRNA. It is a 'silent' change, meaning that it does not change the encoded amino acid sequence of the FGFR3 protein. It affects a nucleotide within the consensus splice site. The frequency data for this variant in the population databases is considered unreliable, as metrics indicate poor data quality at this position in the gnomAD database. This variant has not been reported in the literature in individuals affected with FGFR3-related conditions. Algorithms developed to predict the effect of sequence changes on RNA splicing suggest that this variant is not likely to affect RNA splicing. In summary, the available evidence is currently insufficient to determine the role of this variant in disease. Therefore, it has been classified as a Variant of Uncertain Significance.

PreventionGenetics, part of Exact Sciences
Classification: Uncertain significance for FGFR3-related condition. Last evaluated: 2024-06-13. Review status: no assertion criteria provided. Collection method: clinical testing. Allele origin: germline. Not counted in ClinVar's aggregate classification.
Comment: The FGFR3 c.2206C>T variant is predicted to result in premature protein termination (p.Arg736*). Please note that in the primary transcript listed in the Human Gene Mutation Database (NM_000142), this variant is known as FGFR3: c.2274C>T (p.=). To our knowledge, this variant has not been reported in the literature. This variant is reported in 0.0045% of alleles in individuals of African descent in gnomAD. At this time, the clinical significance of this variant is uncertain due to the absence of conclusive functional and genetic evidence.